The following is an entry in ClinVar:

ClinVar aggregate classification (germline): Uncertain significance. Review status: criteria provided, multiple submitters, no conflicts (2 of 4 stars). 2 submissions from 2 submitters: Uncertain significance (2). Last evaluated 2025-04-14.

Conditions:
Opsismodysplasia (OPSMD). Also called: INPPL1-Related Opsismodysplasia. Identifiers: Orphanet 2746, MedGen C0432219, MONDO:0009785, OMIM 258480.

Allele frequency attached by ClinVar (database versions not stated): gnomAD exomes below 0.00001.
gnomAD v4.1: 5 of 1,613,820 alleles (0.00031%); highest among the groups gnomAD compares: South Asian, 0.0011%; no homozygotes.

Submissions (2):

ARUP Laboratories, Molecular Genetics and Genomics, ARUP Laboratories
Classification: Uncertain significance for Opsismodysplasia. Last evaluated: 2025-04-14. Review status: criteria provided, single submitter. Criteria: ARUP Molecular Germline Variant Investigation Process 2024. Collection method: clinical testing. Allele origin: germline.
Comment: The INPPL1 c.593G>A; p.Arg198Lys variant (rs1340687050), to our knowledge, is not reported in the medical literature but is reported in ClinVar (Variation ID: 1488991). This variant is only observed on one allele in the Genome Aggregation Database v2.1.1, indicating it is not a common polymorphism. The arginine at codon 198 is moderately/highly conserved, but computational analyses are uncertain whether this variant is neutral or deleterious (REVEL: 0.271). Due to limited information, the clinical significance of this variant is uncertain at this time.

Labcorp Genetics (formerly Invitae), Labcorp
Classification: Uncertain significance. Last evaluated: 2022-10-24. Review status: criteria provided, single submitter. Criteria: Invitae Variant Classification Sherloc (09022015). Collection method: clinical testing. Allele origin: germline.
Comment: In summary, the available evidence is currently insufficient to determine the role of this variant in disease. Therefore, it has been classified as a Variant of Uncertain Significance. Algorithms developed to predict the effect of missense changes on protein structure and function (SIFT, PolyPhen-2, Align-GVGD) all suggest that this variant is likely to be tolerated. ClinVar contains an entry for this variant (Variation ID: 1488991). This variant has not been reported in the literature in individuals affected with INPPL1-related conditions. This variant is present in population databases (no rsID available, gnomAD 0.003%). This sequence change replaces arginine, which is basic and polar, with lysine, which is basic and polar, at codon 198 of the INPPL1 protein (p.Arg198Lys).

NM_001567.4(INPPL1):c.593G>A (p.Arg198Lys)

Gene: INPPL1 (inositol polyphosphate phosphatase like 1; plus strand). Cytogenetic location: 11q13.4.
Variant type: single nucleotide variant.
Coding change: c.593G>A on transcript NM_001567.4 (MANE Select); coding-DNA position 593, G replaced by A.
Protein change: p.Arg198Lys; replaces arginine 198 with lysine.
Molecular consequence: missense variant.
Genome position (GRCh38, 1-based): chr11:72,229,164, G>A. VCF-style: chr11-72229164-G-A. GRCh37 (hg19) VCF-style: chr11-71940208-G-A.
Other names: short protein forms R198K.
Identifiers: ClinVar variation 1488991 (VCV001488991.7), dbSNP rs1340687050, ClinGen allele CA381719579.